The following is an entry in ClinVar:

ClinVar aggregate classification (germline): Uncertain significance (1 of 4 stars; one submission).

Submission:

Labcorp Genetics (formerly Invitae), Labcorp
Classification: Uncertain significance. Last evaluated: 2021-10-08. Review status: criteria provided, single submitter. Criteria: Invitae Variant Classification Sherloc (09022015). Collection method: clinical testing. Allele origin: germline.
Comment: This sequence change affects codon 384 of the TRAPPC9 mRNA. It is a 'silent' change, meaning that it does not change the encoded amino acid sequence of the TRAPPC9 protein. It affects a nucleotide within the consensus splice site of the intron. This variant is not present in population databases (ExAC no frequency). This variant has not been reported in the literature in individuals affected with TRAPPC9-related conditions. Experimental studies and prediction algorithms are not available or were not evaluated, and the effect of this variant on mRNA splicing is currently unknown. In summary, the available evidence is currently insufficient to determine the role of this variant in disease. Therefore, it has been classified as a Variant of Uncertain Significance.

NM_001160372.4(TRAPPC9):c.858A>G (p.Pro286=)

Gene: TRAPPC9 (trafficking protein particle complex subunit 9; minus strand). Cytogenetic location: 8q24.3.
Variant type: single nucleotide variant.
Coding change: c.858A>G on transcript NM_001160372.4 (MANE Select); coding-DNA position 858, A replaced by G.
Protein change: p.Pro286=; no amino-acid change (proline 286 retained).
Molecular consequence: synonymous variant. On other transcripts: non-coding transcript variant (1).
Genome position (GRCh38, 1-based): chr8:140,435,113, T>C on the plus strand (A>G on the coding strand, the complement: TRAPPC9 is on the minus strand). VCF-style: chr8-140435113-T-C. GRCh37 (hg19) VCF-style: chr8-141445212-T-C.
Other names: c.858A>G, p.Pro286= (NM_001321646.2, NM_001374683.1, NM_001374684.1 and 1 more transcripts); c.879A>G, p.Pro293= (NM_001374682.1).
Identifiers: ClinVar variation 1436150 (VCV001436150.6), dbSNP rs2132604677, ClinGen allele CA463098518.
Genomic context (GRCh38, chr8:140,435,113, plus strand): 5'-GAGTCTGCTTTATTTAAAGACTGCAAGTGAGCAGAGGCCGGAAAAAGGGCAGAGCTCACC[T>C]GGCCGGTGTCTATTGGCTGCTTCAGCAGGAAGGGTGCTGCCCTGGAACCTCCGAGCTCCA-3'
Protein context (NP_001153844.1, residues 276-296): LPAEAANRHR[Pro286=]GAQEVLIDPG